The following is an entry in ClinVar:

ClinVar aggregate classification (germline): Uncertain significance (1 of 4 stars; one submission).

Conditions:
CFAP47-related disorder. Also called: CFAP47-related condition.

Submission:

PreventionGenetics, part of Exact Sciences
Classification: Uncertain significance for CFAP47-related condition. Last evaluated: 2026-09-21. Review status: criteria provided, single submitter. Criteria: ACMG Guidelines, 2015. Collection method: clinical testing. Allele origin: germline.
Comment: The CFAP47 c.8728G>A variant is predicted to result in the amino acid substitution p.Ala2910Thr. To our knowledge, this variant has not been reported in the literature or in a large population database (gnomAD), indicating this variant is rare. At this time, the clinical significance of this variant is uncertain due to the absence of conclusive functional and genetic evidence.

NM_001304548.2(CFAP47):c.8728G>A (p.Ala2910Thr)

Gene: CFAP47 (cilia and flagella associated protein 47; plus strand). Cytogenetic location: Xp21.1.
Variant type: single nucleotide variant.
Coding change: c.8728G>A on transcript NM_001304548.2 (MANE Select); coding-DNA position 8728, G replaced by A.
Protein change: p.Ala2910Thr; replaces alanine 2910 with threonine.
Molecular consequence: missense variant.
Genome position (GRCh38, 1-based): chrX:36,353,558, G>A. VCF-style: chrX-36353558-G-A. GRCh37 (hg19) VCF-style: chrX-36371673-G-A.
Other names: short protein forms A2910T.
Identifiers: ClinVar variation 4991242 (VCV004991242.1).